The following is an entry in ClinVar:

ClinVar aggregate classification (germline): Uncertain significance (1 of 4 stars; one submission).

Conditions:
MHC class II deficiency. Also called: Bare lymphocyte syndrome 2; BLS, TYPE II. Identifiers: Orphanet 572, MedGen C5447452, MONDO:0008855.

Allele frequency attached by ClinVar (database versions not stated): gnomAD 0.00001.
gnomAD v4.1: 2 of 1,612,690 alleles (0.00012%); highest among the groups gnomAD compares: Non-Finnish European, 0.00017%; no homozygotes.

Submission:

Labcorp Genetics (formerly Invitae), Labcorp
Classification: Uncertain significance for MHC class II deficiency. Last evaluated: 2022-03-12. Review status: criteria provided, single submitter. Criteria: Invitae Variant Classification Sherloc (09022015). Collection method: clinical testing. Allele origin: germline.
Comment: This sequence change replaces serine, which is neutral and polar, with arginine, which is basic and polar, at codon 652 of the CIITA protein (p.Ser652Arg). This variant is not present in population databases (gnomAD no frequency). This variant has not been reported in the literature in individuals affected with CIITA-related conditions. Algorithms developed to predict the effect of missense changes on protein structure and function (SIFT, PolyPhen-2, Align-GVGD) all suggest that this variant is likely to be tolerated. In summary, the available evidence is currently insufficient to determine the role of this variant in disease. Therefore, it has been classified as a Variant of Uncertain Significance.

NM_000246.4(CIITA):c.1956C>G (p.Ser652Arg)

Gene: CIITA (class II major histocompatibility complex transactivator; plus strand). Cytogenetic location: 16p13.13.
Variant type: single nucleotide variant.
Coding change: c.1956C>G on transcript NM_000246.4 (MANE Select); coding-DNA position 1956, C replaced by G.
Protein change: p.Ser652Arg; replaces serine 652 with arginine.
Molecular consequence: missense variant. On other transcripts: intron variant (1).
Genome position (GRCh38, 1-based): chr16:10,907,448, C>G. VCF-style: chr16-10907448-C-G. GRCh37 (hg19) VCF-style: chr16-11001305-C-G.
Other names: c.1959C>G, p.Ser653Arg (NM_001286402.1, NM_001379332.1); c.1812C>G, p.Ser604Arg (NM_001379330.1); c.1809C>G, p.Ser603Arg (NM_001379331.1); c.1956C>G, p.Ser652Arg (NM_001379333.1); c.1887C>G, p.Ser629Arg (NM_001379334.1); c.860-1535C>G (NM_001286403.2); short protein forms S603R, S653R, S604R, S629R, S652R.
Identifiers: ClinVar variation 1955246 (VCV001955246.2), dbSNP rs1037966629, ClinGen allele CA277746609.